The following is an entry in ClinVar:

NM_170707.4(LMNA):c.920G>T (p.Ser307Ile)

Gene: LMNA (lamin A/C; plus strand). Cytogenetic location: 1q22.
Variant type: single nucleotide variant.
Coding change: c.920G>T on transcript NM_170707.4 (MANE Select); coding-DNA position 920, G replaced by T.
Protein change: p.Ser307Ile; replaces serine 307 with isoleucine.
Molecular consequence: missense variant.
Genome position (GRCh38, 1-based): chr1:156,135,296, G>T. VCF-style: chr1-156135296-G-T. GRCh37 (hg19) VCF-style: chr1-156105087-G-T.
Other names: c.920G>T, p.Ser307Ile (NM_005572.4, NM_170708.4, NM_001406985.1 and 6 more transcripts); c.677G>T, p.Ser226Ile (NM_001406986.1, NM_001406987.1, NM_001282624.2); c.623G>T, p.Ser208Ile (NM_001406988.1); c.584G>T, p.Ser195Ile (NM_001406989.1, NM_001257374.3, NM_001406998.1); c.362G>T, p.Ser121Ile (NM_001406990.1, NM_001406993.1, NM_001406995.1 and 4 more transcripts); c.256G>T, p.Ala86Ser (NM_001406994.1, NM_001406999.1, NM_001407000.1 and 1 more transcripts); short protein forms S208I, S307I, A86S, S226I, S121I, S195I.
Identifiers: ClinVar variation 2702675 (VCV002702675.4), dbSNP rs759249597, ClinGen allele CA342817958.

ClinVar aggregate classification (germline): Uncertain significance (1 of 4 stars; one submission).

Conditions:
Charcot-Marie-Tooth disease type 2. Also called: Charcot-Marie-Tooth type 2. Identifiers: Orphanet 64746, MedGen C0270914, MONDO:0018993.

gnomAD v4.1: 3 of 1,586,848 alleles (0.00019%); highest among the groups gnomAD compares: Non-Finnish European, 0.00026%; no homozygotes.

Submissions (2):

Labcorp Genetics (formerly Invitae), Labcorp
Classification: Uncertain significance for Charcot-Marie-Tooth disease type 2. Last evaluated: 2023-12-13. Review status: criteria provided, single submitter. Criteria: Invitae Variant Classification Sherloc (09022015). Collection method: clinical testing. Allele origin: germline.
Comment: This sequence change replaces serine, which is neutral and polar, with isoleucine, which is neutral and non-polar, at codon 307 of the LMNA protein (p.Ser307Ile). This variant is not present in population databases (gnomAD no frequency). This variant has not been reported in the literature in individuals affected with LMNA-related conditions. Advanced modeling of protein sequence and biophysical properties (such as structural, functional, and spatial information, amino acid conservation, physicochemical variation, residue mobility, and thermodynamic stability) performed at Invitae indicates that this missense variant is expected to disrupt LMNA protein function with a positive predictive value of 95%. In summary, the available evidence is currently insufficient to determine the role of this variant in disease. Therefore, it has been classified as a Variant of Uncertain Significance.

Dr. Peter K. Rogan Lab, Western University
No classification provided (evidence only). Condition: Uterine corpus endometrial carcinoma. Review status: no classification provided. Collection method: in vitro. Allele origin: not applicable. Functional consequence: retained intron. Not counted in ClinVar's aggregate classification.